The following is an entry in ClinVar:

NM_001378454.1(ALMS1):c.7411G>A (p.Gly2471Ser)

Gene: ALMS1 (ALMS1 centrosome and basal body associated protein; plus strand). Cytogenetic location: 2p13.1.
Variant type: single nucleotide variant.
Coding change: c.7411G>A on transcript NM_001378454.1 (MANE Select); coding-DNA position 7411, G replaced by A.
Protein change: p.Gly2471Ser; replaces glycine 2471 with serine.
Molecular consequence: missense variant.
Genome position (GRCh38, 1-based): chr2:73,453,938, G>A. VCF-style: chr2-73453938-G-A. GRCh37 (hg19) VCF-style: chr2-73681065-G-A.
Other names: c.7414G>A, p.Gly2472Ser (NM_015120.4); short protein forms G2471S, G2472S.
Identifiers: ClinVar variation 1349106 (VCV001349106.3), dbSNP rs1019293474, ClinGen allele CA50398565.

ClinVar aggregate classification (germline): Uncertain significance (1 of 4 stars; one submission).

Conditions:
Alstrom syndrome (ALMS). Identifiers: Orphanet 64, MedGen C0268425, MONDO:0008763, OMIM 203800.

Allele frequency attached by ClinVar (database versions not stated): gnomAD exomes below 0.00001; TOPMed below 0.00001; gnomAD 0.00001.
gnomAD v4.1: 2 of 1,613,906 alleles (0.00012%); highest among the groups gnomAD compares: Non-Finnish European, 0.00017%; no homozygotes.

Submission:

Labcorp Genetics (formerly Invitae), Labcorp
Classification: Uncertain significance for Alstrom syndrome. Last evaluated: 2022-10-18. Review status: criteria provided, single submitter. Criteria: Invitae Variant Classification Sherloc (09022015). Collection method: clinical testing. Allele origin: germline.
Comment: This sequence change replaces glycine, which is neutral and non-polar, with serine, which is neutral and polar, at codon 2472 of the ALMS1 protein (p.Gly2472Ser). This variant is present in population databases (no rsID available, gnomAD 0.007%). This variant has not been reported in the literature in individuals affected with ALMS1-related conditions. ClinVar contains an entry for this variant (Variation ID: 1349106). Experimental studies and prediction algorithms are not available or were not evaluated, and the functional significance of this variant is currently unknown. In summary, the available evidence is currently insufficient to determine the role of this variant in disease. Therefore, it has been classified as a Variant of Uncertain Significance.